The following is an entry in ClinVar:

ClinVar aggregate classification (germline): Likely pathogenic (1 of 4 stars; one submission).

Conditions:
Early-infantile DEE. Also called: Early infantile epileptic encephalopathy; Early infantile epileptic encephalopathy with suppression bursts; Ohtahara syndrome. Identifiers: Orphanet 1934, MedGen C0393706, MONDO:0800491.

Submission:

Labcorp Genetics (formerly Invitae), Labcorp
Classification: Likely pathogenic for Early-infantile DEE. Last evaluated: 2022-10-17. Review status: criteria provided, single submitter. Criteria: Invitae Variant Classification Sherloc (09022015). Collection method: clinical testing. Allele origin: germline.
Comment: In summary, the currently available evidence indicates that the variant is pathogenic, but additional data are needed to prove that conclusively. Therefore, this variant has been classified as Likely Pathogenic. Variants that disrupt the consensus splice site are a relatively common cause of aberrant splicing (PMID: 17576681, 9536098). Algorithms developed to predict the effect of sequence changes on RNA splicing suggest that this variant is not likely to affect RNA splicing. ClinVar contains an entry for this variant (Variation ID: 858513). This variant has been observed in individuals with clinical features of SCN1A-related conditions (Invitae). It has also been observed to segregate with disease in related individuals. This variant is not present in population databases (gnomAD no frequency). This sequence change falls in intron 1 of the SCN1A gene. It does not directly change the encoded amino acid sequence of the SCN1A protein. It affects a nucleotide within the consensus splice site.

Literature cited by the submitters: PubMed 17576681; PubMed 9536098.

NM_001165963.4(SCN1A):c.264+3G>C

Gene: SCN1A (sodium voltage-gated channel alpha subunit 1; minus strand). Cytogenetic location: 2q24.3.
Variant type: single nucleotide variant.
Coding change: c.264+3G>C on transcript NM_001165963.4 (MANE Select); 3 bases into the intron after coding-DNA position 264, G replaced by C.
Molecular consequence: intron variant.
Genome position (GRCh38, 1-based): chr2:166,073,355, C>G on the plus strand (G>C on the coding strand, the complement: SCN1A is on the minus strand). VCF-style: chr2-166073355-C-G. GRCh37 (hg19) VCF-style: chr2-166929865-C-G.
Other names: c.264+3G>C (NM_001353949.2, NM_001353958.2, NM_001353950.2 and 10 more transcripts); c.-2162+3G>C (NM_001353961.2).
Identifiers: ClinVar variation 858513 (VCV000858513.10), dbSNP rs746440689, ClinGen allele CA916082250.
Genomic context (GRCh38, chr2:166,073,355, plus strand): 5'-ACAACAGTCCAAGGAATGCAGTAGGCAATTAGCAGCAAAATATGCCTGATAAAAAACACT[C>G]ACTTTCTTATTGATATAGTAGGGGTCCAGGTCCTCCAGGGGCTCTGACACCATCTCTGGA-3'